The following is an entry in ClinVar:

NM_032977.4(CASP10):c.1041C>T (p.Asp347=)

Gene: CASP10 (caspase 10; plus strand). Cytogenetic location: 2q33.1.
Variant type: single nucleotide variant.
Coding change: c.1041C>T on transcript NM_032977.4 (MANE Select); coding-DNA position 1041, C replaced by T.
Protein change: p.Asp347=; no amino-acid change (aspartic acid 347 retained).
Molecular consequence: synonymous variant. On other transcripts: 3 prime UTR variant (1).
Genome position (GRCh38, 1-based): chr2:201,209,188, C>T. VCF-style: chr2-201209188-C-T. GRCh37 (hg19) VCF-style: chr2-202073911-C-T.
Other names: c.840C>T, p.Asp280= (NM_001206524.2); c.912C>T, p.Asp304= (NM_001206542.2, NM_001230.5); c.1041C>T, p.Asp347= (NM_032974.5); c.*127C>T (NM_032976.4).
Identifiers: ClinVar variation 753583 (VCV000753583.11), dbSNP rs1326342299, ClinGen allele CA430614289.
Genomic context (GRCh38, chr2:201,209,188, plus strand): 5'-GACGAAAGTGGAAATGGAGATGGTCCTGCAGAAGCAGAAGTGCAATCCAGCCCATGCCGA[C>T]GGGGACTGCTTCGTGTTCTGTATTCTGACCCATGGGAGATTTGGAGCTGTCTACTCTTCG-3'
Protein context (NP_116759.2, residues 337-357): QKQKCNPAHA[Asp347=]GDCFVFCILT

ClinVar aggregate classification (germline): Likely benign. Review status: criteria provided, single submitter (1 of 4 stars). 2 submissions from 2 submitters: Likely benign (1). 1 of the submissions does not count toward it. Last evaluated 2026-01-12.

Conditions:
CASP10-related disorder. Also called: CASP10-related condition.
Autoimmune lymphoproliferative syndrome type 2A (ALPS2A). Also called: Autoimmune lymphoproliferative syndrome type 2; CASP10-Related Autoimmune Lymphoproliferative Syndrome; AUTOIMMUNE LYMPHOPROLIFERATIVE SYNDROME, TYPE IIA. Identifiers: Orphanet 3261, MedGen C1858968, MONDO:0011383, OMIM 603909.

Allele frequency attached by ClinVar (database versions not stated): gnomAD exomes below 0.00001 and 0.00001; gnomAD 0.00001 and 0.00002; TOPMed 0.00002.
gnomAD v4.1: 12 of 1,612,614 alleles (0.00074%); highest among the groups gnomAD compares: Admixed American, 0.0083%; no homozygotes.

Submissions (2):

Labcorp Genetics (formerly Invitae), Labcorp
Classification: Likely benign for Autoimmune lymphoproliferative syndrome type 2A. Last evaluated: 2026-01-12. Review status: criteria provided, single submitter. Criteria: Invitae Variant Classification Sherloc (09022015). Collection method: clinical testing. Allele origin: germline.

PreventionGenetics, part of Exact Sciences
Classification: Likely benign for CASP10-related condition. Last evaluated: 2019-04-08. Review status: no assertion criteria provided. Collection method: clinical testing. Allele origin: germline. Not counted in ClinVar's aggregate classification.
Comment: This variant is classified as likely benign based on ACMG/AMP sequence variant interpretation guidelines (Richards et al. 2015 PMID: 25741868, with internal and published modifications).